The following is an entry in ClinVar:

ClinVar aggregate classification (germline): Likely benign. Review status: criteria provided, multiple submitters, no conflicts (2 of 4 stars). 2 submissions from 2 submitters: Likely benign (2). Last evaluated 2025-05-04.

Conditions:
Cryopyrin associated periodic syndrome (CAPS). Identifiers: Orphanet 208650, MedGen C2316212, MONDO:0016168.

Allele frequency attached by ClinVar (database versions not stated): gnomAD exomes below 0.00001.

Submissions (2):

Labcorp Genetics (formerly Invitae), Labcorp
Classification: Likely benign for Cryopyrin associated periodic syndrome. Last evaluated: 2025-05-04. Review status: criteria provided, single submitter. Criteria: Invitae Variant Classification Sherloc (09022015). Collection method: clinical testing. Allele origin: germline.

CeGaT Center for Human Genetics Tuebingen
Classification: Likely benign. Last evaluated: 2023-06-01. Review status: criteria provided, single submitter. Criteria: CeGaT Center For Human Genetics Tuebingen Variant Classification Criteria Version 2. Collection method: clinical testing. Allele origin: germline. Affected: yes. Observed: 1 variant allele.
Comment: NLRP3: PM2:Supporting, BP4, BP7

NM_001243133.2(NLRP3):c.3090T>C (p.Phe1030=)

Gene: NLRP3 (NLR family pyrin domain containing 3; plus strand). Cytogenetic location: 1q44.
Variant type: single nucleotide variant.
Coding change: c.3090T>C on transcript NM_001243133.2 (MANE Select); coding-DNA position 3090, T replaced by C.
Protein change: p.Phe1030=; no amino-acid change (phenylalanine 1030 retained).
Molecular consequence: synonymous variant.
Genome position (GRCh38, 1-based): chr1:247,448,489, T>C. VCF-style: chr1-247448489-T-C. GRCh37 (hg19) VCF-style: chr1-247611791-T-C.
Other names: c.3090T>C, p.Phe1030= (NM_001079821.3); c.2919T>C, p.Phe973= (NM_001127461.3, NM_001127462.3); c.3096T>C, p.Phe1032= (NM_004895.5); c.2748T>C, p.Phe916= (NM_183395.3).
Identifiers: ClinVar variation 2570761 (VCV002570761.28), dbSNP rs2527521261, ClinGen allele CA424425018.